The following is an entry in ClinVar:

ClinVar aggregate classification (germline): Uncertain significance (1 of 4 stars; one submission).

gnomAD v4.1: 7 of 1,614,150 alleles (0.00043%); highest among the groups gnomAD compares: East Asian, 0.0022%; no homozygotes.

Submission:

Athena Diagnostics
Classification: Uncertain significance. Last evaluated: 2024-05-23. Review status: criteria provided, single submitter. Criteria: Athena Diagnostics Criteria. Collection method: clinical testing. Allele origin: unknown.
Comment: Available data are insufficient to determine the clinical significance of the variant at this time. This variant has not been reported in large, multi-ethnic general populations. Computational tools yielded predictions that this variant is unlikely to have an effect on normal RNA splicing.

NM_001278064.2(GRM1):c.2328C>T (p.Asn776=)

Gene: GRM1 (glutamate metabotropic receptor 1; plus strand). Cytogenetic location: 6q24.3.
Variant type: single nucleotide variant.
Coding change: c.2328C>T on transcript NM_001278064.2 (MANE Select); coding-DNA position 2328, C replaced by T.
Protein change: p.Asn776=; no amino-acid change (asparagine 776 retained).
Molecular consequence: synonymous variant.
Genome position (GRCh38, 1-based): chr6:146,399,367, C>T. VCF-style: chr6-146399367-C-T. GRCh37 (hg19) VCF-style: chr6-146720503-C-T.
Other names: c.2328C>T, p.Asn776= (NM_001278065.2, NM_001278066.1, NM_001278067.1).
Identifiers: ClinVar variation 3571635 (VCV003571635.1).